The following is an entry in ClinVar:

ClinVar aggregate classification (germline): Benign/Likely benign. Review status: criteria provided, multiple submitters, no conflicts (2 of 4 stars). 4 submissions from 4 submitters: Benign (1); Likely benign (3). Last evaluated 2026-02-01.

Conditions:
Familial Mediterranean fever (FMF). Also called: Periodic peritonitis; Benign paroxysmal peritonitis; POLYSEROSITIS, FAMILIAL PAROXYSMAL; POLYSEROSITIS, RECURRENT. Identifiers: Orphanet 342, MedGen C0031069, MONDO:0018088, OMIM 249100. Disease mechanism: gain of function.

Allele frequency attached by ClinVar (database versions not stated): gnomAD exomes 0.00008 and 0.00024; ExAC 0.00031; 1000 Genomes Project 0.00040; 1000 Genomes Project 30x 0.00047; gnomAD 0.00080 and 0.00092; TOPMed 0.00086; ESP Exome Variant Server 0.00108.

Submissions (4):

Labcorp Genetics (formerly Invitae), Labcorp
Classification: Benign for Familial Mediterranean fever. Last evaluated: 2026-02-01. Review status: criteria provided, single submitter. Criteria: Invitae Variant Classification Sherloc (09022015). Collection method: clinical testing. Allele origin: germline.

Women's Health and Genetics/Laboratory Corporation of America, LabCorp
Classification: Likely benign. Last evaluated: 2025-01-09. Review status: criteria provided, single submitter. Criteria: LabCorp Variant Classification Summary - May 2015. Collection method: clinical testing. Allele origin: germline.
Comment: Variant summary: MEFV c.911-12G>A alters a non-conserved nucleotide located at a position not widely known to affect splicing. Consensus agreement among computation tools predict no significant impact on normal splicing. However, these predictions have yet to be confirmed by functional studies. The variant allele was found at a frequency of 0.00024 in 242656 control chromosomes (gnomAD). This frequency is not significantly higher than estimated for a pathogenic variant in MEFV causing Familial Mediterranean Fever (0.00024 vs 0.022), allowing no conclusion about variant significance. To our knowledge, no occurrence of c.911-12G>A in individuals affected with Familial Mediterranean Fever and no experimental evidence demonstrating its impact on protein function have been reported. ClinVar contains an entry for this variant (Variation ID: 632889). Based on the evidence outlined above, the variant was classified as likely benign.

Blueprint Genetics
Classification: Likely benign. Last evaluated: 2024-07-24. Review status: criteria provided, single submitter. Criteria: ACMG Guidelines, 2015. Collection method: clinical testing. Allele origin: germline.

GeneDx
Classification: Likely benign. Last evaluated: 2018-04-20. Review status: criteria provided, single submitter. Criteria: GeneDx Variant Classification (06012015). Collection method: clinical testing. Allele origin: germline. Affected: yes.
Comment: This variant is considered likely benign or benign based on one or more of the following criteria: it is a conservative change, it occurs at a poorly conserved position in the protein, it is predicted to be benign by multiple in silico algorithms, and/or has population frequency not consistent with disease.

NM_000243.3(MEFV):c.911-12G>A

Gene: MEFV (MEFV innate immunity regulator, pyrin; minus strand). Cytogenetic location: 16p13.3.
Variant type: single nucleotide variant.
Coding change: c.911-12G>A on transcript NM_000243.3 (MANE Select); 12 bases into the intron before coding-DNA position 911, G replaced by A.
Molecular consequence: intron variant.
Genome position (GRCh38, 1-based): chr16:3,249,792, C>T on the plus strand (G>A on the coding strand, the complement: MEFV is on the minus strand). VCF-style: chr16-3249792-C-T. GRCh37 (hg19) VCF-style: chr16-3299792-C-T.
Other names: c.278-12G>A (NM_001198536.2).
Identifiers: ClinVar variation 632889 (VCV000632889.12), dbSNP rs372016564, ClinGen allele CA7860278.